The following is an entry in ClinVar:

NM_206933.4(USH2A):c.9149T>C (p.Val3050Ala)

Gene: USH2A (usherin; minus strand). Cytogenetic location: 1q41.
Variant type: single nucleotide variant.
Coding change: c.9149T>C on transcript NM_206933.4 (MANE Select); coding-DNA position 9149, T replaced by C.
Protein change: p.Val3050Ala; replaces valine 3050 with alanine.
Molecular consequence: missense variant.
Genome position (GRCh38, 1-based): chr1:215,844,403, A>G on the plus strand (T>C on the coding strand, the complement: USH2A is on the minus strand). VCF-style: chr1-215844403-A-G. GRCh37 (hg19) VCF-style: chr1-216017745-A-G.
Other names: short protein forms V3050A.
Identifiers: ClinVar variation 4996015 (VCV004996015.1).

ClinVar aggregate classification (germline): Uncertain significance (1 of 4 stars; one submission).

Conditions:
USH2A-related disorder. Also called: USH2A-related condition; USH2A-related disorders. Identifiers: MedGen CN239332.

gnomAD v4.1: 1 of 1,613,762 alleles (0.000062%); highest among the groups gnomAD compares: Non-Finnish European, 0.000085%; no homozygotes.

Submission:

PreventionGenetics, part of Exact Sciences
Classification: Uncertain significance for USH2A-related condition. Last evaluated: 2026-03-12. Review status: criteria provided, single submitter. Criteria: ACMG Guidelines, 2015. Collection method: clinical testing. Allele origin: germline.
Comment: The USH2A c.9149T>C variant is predicted to result in the amino acid substitution p.Val3050Ala. To our knowledge, this variant has not been reported in the literature or in a large population database (gnomAD), indicating this variant is rare. At this time, the clinical significance of this variant is uncertain due to the absence of conclusive functional and genetic evidence.